The following is an entry in ClinVar:

ClinVar aggregate classification (germline): Uncertain significance (1 of 4 stars; one submission).

Conditions:
Hearing loss, autosomal dominant 80. Also called: DEAFNESS, AUTOSOMAL DOMINANT 80. Identifiers: MedGen C5543289, MONDO:0030998, OMIM 619274.
Renal hypodysplasia/aplasia 3 (RHDA3). Identifiers: MedGen C4540497, MONDO:0024520, OMIM 617805.

gnomAD v4.1: 1 of 1,551,798 alleles (0.000064%); highest among the groups gnomAD compares: Non-Finnish European, 0.000087%; no homozygotes.

Submission:

Juno Genomics, Hangzhou Juno Genomics, Inc
Classification: Uncertain significance for Hearing loss, autosomal dominant 80; Renal hypodysplasia/aplasia 3. Review status: criteria provided, single submitter. Criteria: ACMG Guidelines, 2015. Collection method: clinical testing. Allele origin: germline.
Comment: Absent from controls (or at extremely low frequency if recessive) in Genome Aggregation Database.;Missense variant in a gene that has a low rate of benign missense variation.

NM_001142966.3(GREB1L):c.4657G>A (p.Glu1553Lys)

Gene: GREB1L (GREB1 like retinoic acid receptor coactivator; plus strand). Cytogenetic location: 18q11.2.
Variant type: single nucleotide variant.
Coding change: c.4657G>A on transcript NM_001142966.3 (MANE Select); coding-DNA position 4657, G replaced by A.
Protein change: p.Glu1553Lys; replaces glutamic acid 1553 with lysine.
Molecular consequence: missense variant.
Genome position (GRCh38, 1-based): chr18:21,508,513, G>A. VCF-style: chr18-21508513-G-A. GRCh37 (hg19) VCF-style: chr18-19088474-G-A.
Other names: c.4786G>A, p.Glu1596Lys (NM_001410867.1); c.4330G>A, p.Glu1444Lys (NM_001410868.1); short protein forms E1553K, E1596K, E1444K.
Identifiers: ClinVar variation 5005865 (VCV005005865.2).